The following is an entry in ClinVar:

ClinVar aggregate classification (germline): Uncertain significance. Review status: criteria provided, multiple submitters, no conflicts (2 of 4 stars). 2 submissions from 2 submitters: Uncertain significance (2). Last evaluated 2023-10-02.

Conditions:
Alstrom syndrome (ALMS). Identifiers: Orphanet 64, MedGen C0268425, MONDO:0008763, OMIM 203800.

Allele frequency attached by ClinVar (database versions not stated): gnomAD 0.00001; gnomAD exomes 0.00001.

Submissions (2):

Labcorp Genetics (formerly Invitae), Labcorp
Classification: Uncertain significance for Alstrom syndrome. Last evaluated: 2023-10-02. Review status: criteria provided, single submitter. Criteria: Invitae Variant Classification Sherloc (09022015). Collection method: clinical testing. Allele origin: germline.
Comment: This sequence change replaces isoleucine, which is neutral and non-polar, with leucine, which is neutral and non-polar, at codon 302 of the ALMS1 protein (p.Ile302Leu). This variant is present in population databases (rs534913971, gnomAD 0.003%). This variant has not been reported in the literature in individuals affected with ALMS1-related conditions. ClinVar contains an entry for this variant (Variation ID: 1415833). Experimental studies and prediction algorithms are not available or were not evaluated, and the functional significance of this variant is currently unknown. In summary, the available evidence is currently insufficient to determine the role of this variant in disease. Therefore, it has been classified as a Variant of Uncertain Significance.

Women's Health and Genetics/Laboratory Corporation of America, LabCorp
Classification: Uncertain significance. Last evaluated: 2023-05-22. Review status: criteria provided, single submitter. Criteria: LabCorp Variant Classification Summary - May 2015. Collection method: clinical testing. Allele origin: germline.

NM_001378454.1(ALMS1):c.901A>C (p.Ile301Leu)

Gene: ALMS1 (ALMS1 centrosome and basal body associated protein; plus strand). Cytogenetic location: 2p13.1.
Variant type: single nucleotide variant.
Coding change: c.901A>C on transcript NM_001378454.1 (MANE Select); coding-DNA position 901, A replaced by C.
Protein change: p.Ile301Leu; replaces isoleucine 301 with leucine.
Molecular consequence: missense variant.
Genome position (GRCh38, 1-based): chr2:73,424,566, A>C. VCF-style: chr2-73424566-A-C. GRCh37 (hg19) VCF-style: chr2-73651694-A-C.
Other names: c.904A>C, p.Ile302Leu (NM_015120.4); short protein forms I301L, I302L.
Identifiers: ClinVar variation 1415833 (VCV001415833.6), dbSNP rs534913971, ClinGen allele CA50368043.